The following is an entry in ClinVar:

ClinVar aggregate classification (germline): Uncertain significance. Review status: criteria provided, multiple submitters, no conflicts (2 of 4 stars). 5 submissions from 5 submitters: Uncertain significance (3). 2 of the submissions do not count toward it. Last evaluated 2024-10-25.

Conditions:
Peroxisome biogenesis disorder, complementation group K (CGK). Identifiers: MedGen C1866257, MONDO:0800365.
PEX14-related disorder. Also called: PEX14-related condition.

Submissions (5):

Labcorp Genetics (formerly Invitae), Labcorp
Classification: Uncertain significance for Peroxisome biogenesis disorder, complementation group K. Last evaluated: 2024-10-25. Review status: criteria provided, single submitter. Criteria: Invitae Variant Classification Sherloc (09022015). Collection method: clinical testing. Allele origin: germline.
Comment: This variant, c.987_995dup, results in the insertion of 3 amino acid(s) of the PEX14 protein (p.Glu329_Asp331dup), but otherwise preserves the integrity of the reading frame. This variant is not present in population databases (gnomAD no frequency). This variant has not been reported in the literature in individuals affected with PEX14-related conditions. Experimental studies and prediction algorithms are not available or were not evaluated, and the functional significance of this variant is currently unknown. In summary, the available evidence is currently insufficient to determine the role of this variant in disease. Therefore, it has been classified as a Variant of Uncertain Significance.

Eurofins Ntd Llc (ga)
Classification: Uncertain significance. Last evaluated: 2018-02-19. Review status: criteria provided, single submitter. Criteria: EGL ClinVar v180209 classification definitions. Collection method: clinical testing. Allele origin: germline.

Breakthrough Genomics
Classification: Uncertain significance. Review status: criteria provided, single submitter. Criteria: ACMG Guidelines, 2015. Collection method: not provided. Allele origin: germline. Inheritance: Autosomal recessive inheritance. Affected: yes.

PreventionGenetics, part of Exact Sciences
Classification: Uncertain significance for PEX14-related condition. Last evaluated: 2024-07-29. Review status: no assertion criteria provided. Collection method: clinical testing. Allele origin: germline. Not counted in ClinVar's aggregate classification.
Comment: The PEX14 c.987_995dup9 variant is predicted to result in an in-frame duplication (p.Glu329_Asp331dup). To our knowledge, this variant has not been reported in the literature or in a large population database, indicating this variant is rare. At this time, the clinical significance of this variant is uncertain due to the absence of conclusive functional and genetic evidence.

Gharavi Laboratory, Columbia University
Classification: Uncertain significance. Last evaluated: 2018-09-16. Review status: no assertion criteria provided. Criteria: ACMG Guidelines, 2015. Collection method: research. Allele origin: germline. Affected: yes. Not counted in ClinVar's aggregate classification.

NM_004565.2(PEX14):c.987_995dup (p.Asp331_Asp332insGluGluAsp)

Gene: PEX14 (peroxisomal biogenesis factor 14; plus strand). Cytogenetic location: 1p36.22.
Variant type: Microsatellite.
Coding change: c.987_995dup on transcript NM_004565.2; coding-DNA positions 987 to 995, 9 bases duplicated (GGAGGATGA; older notation c.987_995dupGGAGGATGA).
Protein change: p.Asp331_Asp332insGluGluAsp.
Molecular consequence: inframe insertion (on NM_004565.3).
Genome position (GRCh38, 1-based): chr1:10,629,840-10,629,848, GGAGGATGA duplicated; duplicating any 9 consecutive bases within chr1:10,629,829-10,629,848 gives the same sequence; the c. name uses the placement nearest the transcript's 3' end. VCF-style (leftmost placement, unchanged base first): chr1-10629828-C-CGAGGAGGAT. GRCh37 (hg19) VCF-style: chr1-10689885-C-CGAGGAGGAT.
Other names: c.978GGAGGATGA[3], p.326EED[3] (NM_004565.3); c.987_995dup9 (NM_004565.2).
Identifiers: ClinVar variation 591395 (VCV000591395.10), dbSNP rs1318692969, ClinGen allele CA885075899.